The following is an entry in ClinVar:

ClinVar aggregate classification (germline): Uncertain significance (1 of 4 stars; one submission).

Conditions:
Inborn genetic diseases. Identifiers: MedGen C0950123, MeSH D030342.

gnomAD v4.1: 1 of 1,614,178 alleles (0.000062%); highest among the groups gnomAD compares: South Asian, 0.0011%; no homozygotes.

Submission:

Ambry Genetics
Classification: Uncertain significance for Inborn genetic diseases. Last evaluated: 2025-11-22. Review status: criteria provided, single submitter. Criteria: Ambry Variant Classification Scheme 2023. Collection method: clinical testing. Allele origin: germline.
Comment: The p.E383G variant (also known as c.1148A>G), located in coding exon 13 of the FANCA gene, results from an A to G substitution at nucleotide position 1148. The glutamic acid at codon 383 is replaced by glycine, an amino acid with similar properties. This amino acid position is conserved. In addition, the in silico prediction for this alteration is inconclusive. Based on the available evidence, the clinical significance of this variant remains unclear.

NM_000135.4(FANCA):c.1148A>G (p.Glu383Gly)

Gene: FANCA (FA complementation group A; minus strand). Cytogenetic location: 16q24.3.
Variant type: single nucleotide variant.
Coding change: c.1148A>G on transcript NM_000135.4 (MANE Select); coding-DNA position 1148, A replaced by G.
Protein change: p.Glu383Gly; replaces glutamic acid 383 with glycine.
Molecular consequence: missense variant.
Genome position (GRCh38, 1-based): chr16:89,792,004, T>C on the plus strand (A>G on the coding strand, the complement: FANCA is on the minus strand). VCF-style: chr16-89792004-T-C. GRCh37 (hg19) VCF-style: chr16-89858412-T-C.
Other names: c.1148A>G, p.Glu383Gly (NM_001286167.3); short protein forms E383G.
Identifiers: ClinVar variation 4619285 (VCV004619285.1).